The following is an entry in ClinVar:

ClinVar aggregate classification (germline): Uncertain significance (1 of 4 stars; one submission).

Submission:

Labcorp Genetics (formerly Invitae), Labcorp
Classification: Uncertain significance. Last evaluated: 2022-05-03. Review status: criteria provided, single submitter. Criteria: Invitae Variant Classification Sherloc (09022015). Collection method: clinical testing. Allele origin: germline.
Comment: This variant has not been reported in the literature in individuals affected with CNNM4-related conditions. In summary, the available evidence is currently insufficient to determine the role of this variant in disease. Therefore, it has been classified as a Variant of Uncertain Significance. Algorithms developed to predict the effect of missense changes on protein structure and function output the following: SIFT: "Tolerated"; PolyPhen-2: "Benign"; Align-GVGD: "Class C0". The tyrosine amino acid residue is found in multiple mammalian species, which suggests that this missense change does not adversely affect protein function. This variant is not present in population databases (gnomAD no frequency). This sequence change replaces histidine, which is basic and polar, with tyrosine, which is neutral and polar, at codon 655 of the CNNM4 protein (p.His655Tyr).

NM_020184.4(CNNM4):c.1963C>T (p.His655Tyr)

Gene: CNNM4 (cyclin and CBS domain divalent metal cation transport mediator 4; plus strand). Cytogenetic location: 2q11.2.
Variant type: single nucleotide variant.
Coding change: c.1963C>T on transcript NM_020184.4 (MANE Select); coding-DNA position 1963, C replaced by T.
Protein change: p.His655Tyr; replaces histidine 655 with tyrosine.
Molecular consequence: missense variant.
Genome position (GRCh38, 1-based): chr2:96,808,575, C>T. VCF-style: chr2-96808575-C-T. GRCh37 (hg19) VCF-style: chr2-97474312-C-T.
Other names: short protein forms H655Y.
Identifiers: ClinVar variation 2133273 (VCV002133273.4), dbSNP rs2466486930, ClinGen allele CA347708481.
Genomic context (GRCh38, chr2:96,808,575, plus strand): 5'-GGCATCGGAGTGGCCTTTGGCATGACAACCTCTGCTCTCCCTGCAGACCGTTCCCCAGCA[C>T]ACCCCACCCCACTCAGCCGCTCAGCCTCCCTCAGTTACCCAGACCGCACAGACGTCTCAA-3'
Protein context (NP_064569.3, residues 645-665): TSVPSDRSPA[His655Tyr]PTPLSRSASL